The following is an entry in ClinVar:

NM_000246.4(CIITA):c.607G>A (p.Glu203Lys)

Gene: CIITA (class II major histocompatibility complex transactivator; plus strand). Cytogenetic location: 16p13.13.
Variant type: single nucleotide variant.
Coding change: c.607G>A on transcript NM_000246.4 (MANE Select); coding-DNA position 607, G replaced by A.
Protein change: p.Glu203Lys; replaces glutamic acid 203 with lysine.
Molecular consequence: missense variant. On other transcripts: non-coding transcript variant (1), intron variant (3).
Genome position (GRCh38, 1-based): chr16:10,902,163, G>A. VCF-style: chr16-10902163-G-A. GRCh37 (hg19) VCF-style: chr16-10996020-G-A.
Other names: c.610G>A, p.Glu204Lys (NM_001286402.1, NM_001379332.1); c.607G>A, p.Glu203Lys (NM_001379333.1); c.538G>A, p.Glu180Lys (NM_001379334.1); c.485-495G>A (NM_001379330.1); c.482-495G>A (NM_001379331.1, NM_001286403.2); short protein forms E180K, E203K, E204K.
Identifiers: ClinVar variation 962077 (VCV000962077.8), dbSNP rs529296576, ClinGen allele CA277737214.

ClinVar aggregate classification (germline): Uncertain significance. Review status: criteria provided, single submitter (1 of 4 stars). 2 submissions from 2 submitters: Uncertain significance (1). 1 of the submissions does not count toward it. Last evaluated 2022-07-11.

Conditions:
MHC class II deficiency. Also called: Bare lymphocyte syndrome 2; BLS, TYPE II. Identifiers: Orphanet 572, MedGen C5447452, MONDO:0008855.

Allele frequency attached by ClinVar (database versions not stated): gnomAD exomes below 0.00001; TOPMed 0.00008.
gnomAD v4.1: 9 of 1,614,032 alleles (0.00056%); highest among the groups gnomAD compares: Admixed American, 0.005%; no homozygotes.

Submissions (2):

Labcorp Genetics (formerly Invitae), Labcorp
Classification: Uncertain significance for MHC class II deficiency. Last evaluated: 2022-07-11. Review status: criteria provided, single submitter. Criteria: Invitae Variant Classification Sherloc (09022015). Collection method: clinical testing. Allele origin: germline.
Comment: This sequence change replaces glutamic acid, which is acidic and polar, with lysine, which is basic and polar, at codon 203 of the CIITA protein (p.Glu203Lys). This variant is not present in population databases (gnomAD no frequency). This variant has not been reported in the literature in individuals affected with CIITA-related conditions. ClinVar contains an entry for this variant (Variation ID: 962077). Algorithms developed to predict the effect of missense changes on protein structure and function output the following: SIFT: "Tolerated"; PolyPhen-2: "Benign"; Align-GVGD: "Class C0". The lysine amino acid residue is found in multiple mammalian species, which suggests that this missense change does not adversely affect protein function. In summary, the available evidence is currently insufficient to determine the role of this variant in disease. Therefore, it has been classified as a Variant of Uncertain Significance.

Natera, Inc.
Classification: Uncertain significance for Bare lymphocyte syndrome type II. Last evaluated: 2020-09-29. Review status: no assertion criteria provided. Collection method: clinical testing. Allele origin: germline. Not counted in ClinVar's aggregate classification.